The following is an entry in ClinVar:

NM_000069.3(CACNA1S):c.2848T>C (p.Phe950Leu)

Gene: CACNA1S (calcium voltage-gated channel subunit alpha1 S; minus strand). Cytogenetic location: 1q32.1.
Variant type: single nucleotide variant.
Coding change: c.2848T>C on transcript NM_000069.3 (MANE Select); coding-DNA position 2848, T replaced by C.
Protein change: p.Phe950Leu; replaces phenylalanine 950 with leucine.
Molecular consequence: missense variant.
Genome position (GRCh38, 1-based): chr1:201,065,843, A>G on the plus strand (T>C on the coding strand, the complement: CACNA1S is on the minus strand). VCF-style: chr1-201065843-A-G. GRCh37 (hg19) VCF-style: chr1-201034971-A-G.
Other names: short protein forms F950L.
Identifiers: ClinVar variation 3602361 (VCV003602361.2).

ClinVar aggregate classification (germline): Uncertain significance. Review status: criteria provided, multiple submitters, no conflicts (2 of 4 stars). 2 submissions from 2 submitters: Uncertain significance (2). Last evaluated 2025-08-10.

Conditions:
Inborn genetic diseases. Identifiers: MedGen C0950123, MeSH D030342.

Submissions (2):

Ambry Genetics
Classification: Uncertain significance for Inborn genetic diseases. Last evaluated: 2025-08-10. Review status: criteria provided, single submitter. Criteria: Ambry Variant Classification Scheme 2023. Collection method: clinical testing. Allele origin: germline.

GeneDx
Classification: Uncertain significance. Last evaluated: 2024-07-30. Review status: criteria provided, single submitter. Criteria: GeneDx Variant Classification Process June 2021. Collection method: clinical testing. Allele origin: germline. Affected: yes.
Comment: Not observed at significant frequency in large population cohorts (gnomAD); In silico analysis supports that this missense variant has a deleterious effect on protein structure/function; Has not been previously published as pathogenic or benign to our knowledge